The following is an entry in ClinVar:

ClinVar aggregate classification (germline): Uncertain significance. Review status: criteria provided, multiple submitters, no conflicts (2 of 4 stars). 3 submissions from 3 submitters: Uncertain significance (3). Last evaluated 2024-11-22.

Allele frequency attached by ClinVar (database versions not stated): gnomAD 0.00004 and 0.00005; gnomAD exomes 0.00005 and 0.00010; ExAC 0.00007; TOPMed 0.00007; ESP Exome Variant Server 0.00015.
gnomAD v4.1: 96 of 1,613,138 alleles (0.006%); highest among the groups gnomAD compares: Middle Eastern, 0.2%; no homozygotes.

Submissions (3):

Blueprint Genetics
Classification: Uncertain significance. Last evaluated: 2024-11-22. Review status: criteria provided, single submitter. Criteria: ACMG Guidelines, 2015. Collection method: clinical testing. Allele origin: germline.

Labcorp Genetics (formerly Invitae), Labcorp
Classification: Uncertain significance. Last evaluated: 2022-10-28. Review status: criteria provided, single submitter. Criteria: Invitae Variant Classification Sherloc (09022015). Collection method: clinical testing. Allele origin: germline.
Comment: This sequence change replaces asparagine, which is neutral and polar, with serine, which is neutral and polar, at codon 476 of the LAMA1 protein (p.Asn476Ser). This variant is present in population databases (rs200035723, gnomAD 0.02%). This variant has not been reported in the literature in individuals affected with LAMA1-related conditions. ClinVar contains an entry for this variant (Variation ID: 1696951). Algorithms developed to predict the effect of missense changes on protein structure and function (SIFT, PolyPhen-2, Align-GVGD) all suggest that this variant is likely to be disruptive. In summary, the available evidence is currently insufficient to determine the role of this variant in disease. Therefore, it has been classified as a Variant of Uncertain Significance.

GeneDx
Classification: Uncertain significance. Last evaluated: 2022-01-05. Review status: criteria provided, single submitter. Criteria: GeneDx Variant Classification Process June 2021. Collection method: clinical testing. Allele origin: germline. Affected: yes.
Comment: In silico analysis supports that this missense variant has a deleterious effect on protein structure/function; Has not been previously published as pathogenic or benign to our knowledge

NM_005559.4(LAMA1):c.1427A>G (p.Asn476Ser)

Genes: LAMA1 (laminin subunit alpha 1; minus strand), LOC112543434 (P300/CBP strongly-dependent group 1 enhancer GRCh37_chr18:7038146-7039345; plus strand). Cytogenetic location: 18p11.31.
Variant type: single nucleotide variant.
Coding change: c.1427A>G on transcript NM_005559.4 (MANE Select); coding-DNA position 1427, A replaced by G.
Protein change: p.Asn476Ser; replaces asparagine 476 with serine.
Molecular consequence: missense variant.
Genome position (GRCh38, 1-based): chr18:7,038,946, T>C on the plus strand (A>G on the coding strand, the complement: LAMA1 is on the minus strand). VCF-style: chr18-7038946-T-C. GRCh37 (hg19) VCF-style: chr18-7038945-T-C.
Other names: short protein forms N476S.
Identifiers: ClinVar variation 1696951 (VCV001696951.5), dbSNP rs200035723, ClinGen allele CA8882986.
Genomic context (GRCh38, chr18:7,038,946, plus strand): 5'-TTTTTTTCCTTCAAGTTATAGAATCCTGGCTTGCAGCGATCACAGGCCTTCCCCTCAACG[T>C]TTTCCTGTAAGTTAGGGTAAAAGATTAGCTTTTGAAACCAATGTGTCTGTCCAGAGAGAA-3'
Protein context (NP_005550.2, residues 466-486): PCTGPCVCKE[Asn476Ser]VEGKACDRCK